The following is an entry in ClinVar:

ClinVar aggregate classification (germline): Likely benign (1 of 4 stars; one submission).

Allele frequency attached by ClinVar (database versions not stated): TOPMed 0.00002; gnomAD 0.00003; 1000 Genomes Project 0.00020; 1000 Genomes Project 30x 0.00031.
gnomAD v4.1: 6 of 398,580 alleles (0.0015%); highest among the groups gnomAD compares: African/African-American, 0.0082%; no homozygotes.

Submission:

CeGaT Center for Human Genetics Tuebingen
Classification: Likely benign. Last evaluated: 2022-10-01. Review status: criteria provided, single submitter. Criteria: CeGaT Center For Human Genetics Tuebingen Variant Classification Criteria Version 2. Collection method: clinical testing. Allele origin: germline. Affected: yes. Observed: 1 variant allele.
Comment: CIC: BP4, BP7

NM_001386298.1(CIC):c.2160G>A (p.Pro720=)

Gene: CIC (capicua transcriptional repressor; plus strand). Cytogenetic location: 19q13.2.
Variant type: single nucleotide variant.
Coding change: c.2160G>A on transcript NM_001386298.1 (MANE Select); coding-DNA position 2160, G replaced by A.
Protein change: p.Pro720=; no amino-acid change (proline 720 retained).
Molecular consequence: synonymous variant.
Genome position (GRCh38, 1-based): chr19:42,273,943, G>A. VCF-style: chr19-42273943-G-A. GRCh37 (hg19) VCF-style: chr19-42778095-G-A.
Other names: c.2160G>A, p.Pro720= (NM_001304815.2, NM_001379480.1, NM_001379482.1 and 1 more transcripts).
Identifiers: ClinVar variation 2649964 (VCV002649964.24), dbSNP rs529982916, ClinGen allele CA308615679.
Genomic context (GRCh38, chr19:42,273,943, plus strand): 5'-GACCAACCTGACCTTCACCGTGCCCATCAGCCCTGGGCGACGGAAGACAGAGCTGTTGCC[G>A]CATCCAGGGGCCTTGGGGGCCCCTGGCGCAGGGGGTGGAGGAGCCGCCCCAGACTTTCCC-3'
Protein context (NP_001373227.1, residues 710-730): SPGRRKTELL[Pro720=]HPGALGAPGA